The following is an entry in ClinVar:

ClinVar aggregate classification (germline): Uncertain significance (1 of 4 stars; one submission).

Conditions:
Cardiovascular phenotype. Identifiers: MedGen CN230736.

Allele frequency attached by ClinVar (database versions not stated): gnomAD exomes below 0.00001; gnomAD 0.00001; ExAC 0.00002; TOPMed 0.00003; ESP Exome Variant Server 0.00015.
gnomAD v4.1: 7 of 1,613,386 alleles (0.00043%); highest among the groups gnomAD compares: African/African-American, 0.004%; no homozygotes.

Submission:

Ambry Genetics
Classification: Uncertain significance for Cardiovascular phenotype. Last evaluated: 2020-07-10. Review status: criteria provided, single submitter. Criteria: Ambry Variant Classification Scheme 2023. Collection method: clinical testing. Allele origin: germline.
Comment: The p.E1032K variant (also known as c.3094G>A), located in coding exon 8 of the AKAP9 gene, results from a G to A substitution at nucleotide position 3094. The glutamic acid at codon 1032 is replaced by lysine, an amino acid with similar properties. This amino acid position is poorly conserved in available vertebrate species. In addition, this alteration is predicted to be tolerated by in silico analysis. Since supporting evidence is limited at this time, the clinical significance of this alteration remains unclear.

NM_005751.5(AKAP9):c.3094G>A (p.Glu1032Lys)

Gene: AKAP9 (A-kinase anchoring protein 9; plus strand). Cytogenetic location: 7q21.2.
Variant type: single nucleotide variant.
Coding change: c.3094G>A on transcript NM_005751.5 (MANE Select); coding-DNA position 3094, G replaced by A.
Protein change: p.Glu1032Lys; replaces glutamic acid 1032 with lysine.
Molecular consequence: missense variant.
Genome position (GRCh38, 1-based): chr7:92,003,011, G>A. VCF-style: chr7-92003011-G-A. GRCh37 (hg19) VCF-style: chr7-91632325-G-A.
Other names: c.3094G>A, p.Glu1032Lys (NM_147185.3); short protein forms E1032K.
Identifiers: ClinVar variation 1727497 (VCV001727497.2), dbSNP rs370276249, ClinGen allele CA4336239.